The following is an entry in ClinVar:

ClinVar aggregate classification (germline): Likely benign (1 of 4 stars; one submission).

gnomAD v4.1: 158 of 1,613,866 alleles (0.0098%); highest among the groups gnomAD compares: African/African-American, 0.18%; 1 homozygote.

Submission:

Molecular Diagnostic Laboratory for Inherited Cardiovascular Disease, Montreal Heart Institute
Classification: Likely benign. Last evaluated: 2026-09-21. Review status: criteria provided, single submitter. Criteria: ACMG Guidelines, 2015. Collection method: clinical testing. Allele origin: germline. Affected: no.
Comment: BS1;BP4

NM_198060.4(NRAP):c.2417C>G (p.Thr806Ser)

Gene: NRAP (nebulin related anchoring protein; minus strand). Cytogenetic location: 10q25.3.
Variant type: single nucleotide variant.
Coding change: c.2417C>G on transcript NM_198060.4 (MANE Select); coding-DNA position 2417, C replaced by G.
Protein change: p.Thr806Ser; replaces threonine 806 with serine.
Molecular consequence: missense variant. On other transcripts: intron variant (1).
Genome position (GRCh38, 1-based): chr10:113,623,569, G>C on the plus strand (C>G on the coding strand, the complement: NRAP is on the minus strand). VCF-style: chr10-113623569-G-C. GRCh37 (hg19) VCF-style: chr10-115383328-G-C.
Other names: c.2417C>G, p.Thr806Ser (NM_001261463.2); c.2312C>G, p.Thr771Ser (NM_006175.5); c.2349+1257C>G (NM_001322945.2); short protein forms T771S, T806S.
Identifiers: ClinVar variation 5037823 (VCV005037823.1), dbSNP rs151007500.